The following is an entry in ClinVar:

ClinVar aggregate classification (germline): Likely benign. Review status: criteria provided, multiple submitters, no conflicts (2 of 4 stars). 3 submissions from 3 submitters: Likely benign (3). Last evaluated 2026-01-05.

Allele frequency attached by ClinVar (database versions not stated): ExAC below 0.00001; gnomAD 0.00011 and 0.00013; TOPMed 0.00013.
gnomAD v4.1: 300 of 1,552,546 alleles (0.019%); highest among the groups gnomAD compares: Non-Finnish European, 0.024%; no homozygotes.

Submissions (3):

Labcorp Genetics (formerly Invitae), Labcorp
Classification: Likely benign. Last evaluated: 2026-01-05. Review status: criteria provided, single submitter. Criteria: Invitae Variant Classification Sherloc (09022015). Collection method: clinical testing. Allele origin: germline.

Blueprint Genetics
Classification: Likely benign. Last evaluated: 2024-11-19. Review status: criteria provided, single submitter. Criteria: ACMG Guidelines, 2015. Collection method: clinical testing. Allele origin: germline.

Laboratory for Molecular Medicine, Mass General Brigham Personalized Medicine
Classification: Likely benign. Last evaluated: 2017-08-03. Review status: criteria provided, single submitter. Criteria: LMM Criteria. Collection method: clinical testing. Allele origin: germline. Observed: 1 variant allele.
Comment: c.1798-11C>T in intron 15 of MYO7A: This variant is not expected to have clinica l significance because a C>T change at this position does not diverge from the s plice consensus sequence and is therefore unlikely to impact splicing. It has be en identified in 12/74308 European chromosomes by the Genome Aggregation Databas e (gnomAD; dbSNP rs782146561).

NM_000260.4(MYO7A):c.1798-11C>T

Gene: MYO7A (myosin VIIA; plus strand). Cytogenetic location: 11q13.5.
Variant type: single nucleotide variant.
Coding change: c.1798-11C>T on transcript NM_000260.4 (MANE Select); 11 bases into the intron before coding-DNA position 1798, C replaced by T.
Molecular consequence: intron variant.
Genome position (GRCh38, 1-based): chr11:77,172,737, C>T. VCF-style: chr11-77172737-C-T. GRCh37 (hg19) VCF-style: chr11-76883783-C-T.
Other names: c.1765-11C>T (NM_001369365.1); c.1798-11C>T (NM_001127180.2).
Identifiers: ClinVar variation 517512 (VCV000517512.13), dbSNP rs782146561, ClinGen allele CA6197613.